The following is an entry in ClinVar:

ClinVar aggregate classification (germline): Conflicting classifications of pathogenicity. Review status: criteria provided, conflicting classifications (1 of 4 stars). 6 submissions from 6 submitters: Likely pathogenic (4); Uncertain significance (1). 1 of the submissions does not count toward it. Last evaluated 2025-11-06.

Conditions:
HGSNAT-related disorders.
Sanfilippo syndrome. Also called: Mucopolysaccharidosis type 3; Sanfilippo disease; Mucopolysaccharidosis Type III. Identifiers: Orphanet 581, MedGen C0026706, MONDO:0018937.
Inborn genetic diseases. Identifiers: MedGen C0950123, MeSH D030342.
Retinitis pigmentosa 73 (RP73). Identifiers: Orphanet 791, MedGen C4225287, MONDO:0014687, OMIM 616544.
Mucopolysaccharidosis, MPS-III-C (MPS3C). Also called: MPS IIIC (Sanfilippo Syndrome Type C); MUCOPOLYSACCHARIDOSIS, TYPE IIIC; SANFILIPPO SYNDROME C; Mucopolysaccharidosis type IIIC (Sanfilippo C); MPS III C; mucopolysaccharidosis type 3C. Identifiers: Orphanet 581, Orphanet 79271, MedGen C0086649, MONDO:0009657, OMIM 252930.

Allele frequency attached by ClinVar (database versions not stated): gnomAD 0.00001; gnomAD exomes 0.00001; TOPMed 0.00001.
gnomAD v4.1: 12 of 1,613,764 alleles (0.00074%); highest among the groups gnomAD compares: Non-Finnish European, 0.001%; no homozygotes.

Submissions (6):

Natera, Inc.
Classification: Likely pathogenic for Mucopolysaccharidosis type IIIC. Last evaluated: 2025-11-06. Review status: criteria provided, single submitter. Criteria: Natera Variant Classification Schema (03/2026). Collection method: clinical testing. Allele origin: germline.
Comment: The c.1445T>A variant in HGSNAT is a missense variant predicted to cause substitution of methionine to lysine at amino acid 482. This variant is rare in the general population with a frequency below the threshold expected for the associated phenotype(s). This variant has been observed in one or more individuals affected with the associated recessive disease, as either homozygous or compound heterozygous with a second variant (PMID: 17033958). Functional studies show that this variant may disrupt protein function (PMID: 20583299, 19823584). Computational prediction algorithms indicate this variant is likely to affect gene or protein function. Given the available evidence, this variant is classified as Likely Pathogenic.

Labcorp Genetics (formerly Invitae), Labcorp
Classification: Likely pathogenic for Retinitis pigmentosa 73; Mucopolysaccharidosis, MPS-III-C. Last evaluated: 2025-03-26. Review status: criteria provided, single submitter. Criteria: Invitae Variant Classification Sherloc (09022015). Collection method: clinical testing. Allele origin: germline.
Comment: This sequence change replaces methionine, which is neutral and non-polar, with lysine, which is basic and polar, at codon 482 of the HGSNAT protein (p.Met482Lys). This variant is present in population databases (rs121908284, gnomAD 0.007%). This missense change has been observed in individual(s) with mucopolysaccharidosis type IIIC (PMID: 17033958). This variant is also known as c.1529T>A, p.M510K. ClinVar contains an entry for this variant (Variation ID: 1234). Invitae Evidence Modeling of protein sequence and biophysical properties (such as structural, functional, and spatial information, amino acid conservation, physicochemical variation, residue mobility, and thermodynamic stability) has been performed for this missense variant. However, the output from this modeling did not meet the statistical confidence thresholds required to predict the impact of this variant on HGSNAT protein function. Experimental studies have shown that this missense change affects HGSNAT function (PMID: 19823584, 20583299). In summary, the currently available evidence indicates that the variant is pathogenic, but additional data are needed to prove that conclusively. Therefore, this variant has been classified as Likely Pathogenic.

Ambry Genetics
Classification: Uncertain significance for Inborn genetic diseases. Last evaluated: 2024-08-29. Review status: criteria provided, single submitter. Criteria: Ambry Variant Classification Scheme 2023. Collection method: clinical testing. Allele origin: germline.
Comment: Based on insufficient or conflicting evidence, the clinical significance of this alteration remains unclear.

Women's Health and Genetics/Laboratory Corporation of America, LabCorp
Classification: Likely pathogenic for Sanfilippo syndrome. Last evaluated: 2023-07-12. Review status: criteria provided, single submitter. Criteria: LabCorp Variant Classification Summary - May 2015. Collection method: clinical testing. Allele origin: germline.
Comment: Variant summary: HGSNAT c.1445T>A (p.Met482Lys) results in a non-conservative amino acid change in the encoded protein sequence. Four of five in-silico tools predict a damaging effect of the variant on protein function. The variant was absent in 249234 control chromosomes (gnomAD). c.1445T>A has been reported in the literature in an individual affected with Mucopolysaccharidosis Type IIIC (Sanfilippo Syndrome C) (example: Hrebicek_HGSNAT_2006). Multiple publications have reported this variant impairs normal protein activity (examples: Feldhammer_2009 and Fedele_2010). The following publications have been ascertained in the context of this evaluation (PMID: 20583299, 19823584, 17033958). One submitter has cited clinical-significance assessments for this variant to ClinVar after 2014 and has classified the variant as likely pathogenic. Based on the evidence outlined above, the variant was classified as likely pathogenic.

Blueprint Genetics
Classification: Likely pathogenic for HGSNAT-related disorders. Last evaluated: 2022-11-14. Review status: criteria provided, single submitter. Criteria: ACMG Guidelines, 2015. Collection method: clinical testing. Allele origin: germline. Affected: yes. Observed: 4 variant alleles.

OMIM
Classification: Pathogenic for MUCOPOLYSACCHARIDOSIS, TYPE IIIC. Last evaluated: 2006-11-01. Review status: no assertion criteria provided. Collection method: literature only. Allele origin: germline. Not counted in ClinVar's aggregate classification.

Literature cited by the submitters: PubMed 17033958 (cited by 5 submitters); PubMed 20583299 (cited by 3 submitters); PubMed 19823584 (cited by 4 submitters).

NM_152419.3(HGSNAT):c.1445T>A (p.Met482Lys)

Gene: HGSNAT (heparan-alpha-glucosaminide N-acetyltransferase; plus strand). Cytogenetic location: 8p11.21.
Variant type: single nucleotide variant.
Coding change: c.1445T>A on transcript NM_152419.3 (MANE Select); coding-DNA position 1445, T replaced by A.
Protein change: p.Met482Lys; replaces methionine 482 with lysine.
Molecular consequence: missense variant.
Genome position (GRCh38, 1-based): chr8:43,193,824, T>A. VCF-style: chr8-43193824-T-A. GRCh37 (hg19) VCF-style: chr8-43048967-T-A.
Other names: M510K; c.1445T>A (NM_152419.2); c.1445T>A, p.Met482Lys (NM_001363227.2); c.1253T>A, p.Met418Lys (NM_001363228.2); c.581T>A, p.Met194Lys (NM_001363229.2); short protein forms M482K, M418K, M194K.
Identifiers: ClinVar variation 1234 (VCV000001234.10), dbSNP rs121908284, ClinGen allele CA114867.